The following is an entry in ClinVar:

NM_033100.4(CDHR1):c.2070C>G (p.Phe690Leu)

Gene: CDHR1 (cadherin related family member 1; plus strand). Cytogenetic location: 10q23.1.
Variant type: single nucleotide variant.
Coding change: c.2070C>G on transcript NM_033100.4 (MANE Select); coding-DNA position 2070, C replaced by G.
Protein change: p.Phe690Leu; replaces phenylalanine 690 with leucine.
Molecular consequence: missense variant. On other transcripts: intron variant (1).
Genome position (GRCh38, 1-based): chr10:84,214,111, C>G. VCF-style: chr10-84214111-C-G. GRCh37 (hg19) VCF-style: chr10-85973867-C-G.
Other names: c.2040+763C>G (NM_001171971.3); short protein forms F690L.
Identifiers: ClinVar variation 3669378 (VCV003669378.2).
Genomic context (GRCh38, chr10:84,214,111, plus strand): 5'-GCTGAGTGCAGGGAGTGGCTTTCTCTTTCAGACCCTCTCCCGGAGCCCCATGGCTGCCTT[C>G]CTGATACAGACCAAGGACAACCCCATGAAGGCCGTGGGTGTGCTGGCCGGCACCATGGCC-3'
Protein context (NP_149091.1, residues 680-700): ETLSRSPMAA[Phe690Leu]LIQTKDNPMK

ClinVar aggregate classification (germline): Uncertain significance (1 of 4 stars; one submission).

gnomAD v4.1: 2 of 1,614,250 alleles (0.00012%); highest among the groups gnomAD compares: South Asian, 0.0022%; no homozygotes.

Submission:

Labcorp Genetics (formerly Invitae), Labcorp
Classification: Uncertain significance. Last evaluated: 2024-04-10. Review status: criteria provided, single submitter. Criteria: Invitae Variant Classification Sherloc (09022015). Collection method: clinical testing. Allele origin: germline.
Comment: This sequence change replaces phenylalanine, which is neutral and non-polar, with leucine, which is neutral and non-polar, at codon 690 of the CDHR1 protein (p.Phe690Leu). This variant is present in population databases (rs754765957, gnomAD 0.003%). This variant has not been reported in the literature in individuals affected with CDHR1-related conditions. Advanced modeling of protein sequence and biophysical properties (such as structural, functional, and spatial information, amino acid conservation, physicochemical variation, residue mobility, and thermodynamic stability) performed at Invitae indicates that this missense variant is not expected to disrupt CDHR1 protein function with a negative predictive value of 80%. In summary, the available evidence is currently insufficient to determine the role of this variant in disease. Therefore, it has been classified as a Variant of Uncertain Significance.